The following is an entry in ClinVar:

ClinVar aggregate classification (germline): Conflicting classifications of pathogenicity. Review status: criteria provided, conflicting classifications (1 of 4 stars). 2 submissions from 2 submitters: Uncertain significance (1); Likely benign (1). Last evaluated 2023-05-09.

Submissions (2):

GeneDx
Classification: Uncertain significance. Last evaluated: 2023-05-09. Review status: criteria provided, single submitter. Criteria: GeneDx Variant Classification Process June 2021. Collection method: clinical testing. Allele origin: germline. Affected: yes.
Comment: Not observed at significant frequency in large population cohorts (gnomAD); In silico analysis supports that this variant does not alter splicing; Has not been previously published as pathogenic or benign to our knowledge

Labcorp Genetics (formerly Invitae), Labcorp
Classification: Likely benign. Last evaluated: 2022-11-26. Review status: criteria provided, single submitter. Criteria: Invitae Variant Classification Sherloc (09022015). Collection method: clinical testing. Allele origin: germline.

NM_001282531.3(ADNP):c.3099T>C (p.Tyr1033=)

Gene: ADNP (activity dependent neuroprotector homeobox; minus strand). Cytogenetic location: 20q13.13.
Variant type: single nucleotide variant.
Coding change: c.3099T>C on transcript NM_001282531.3 (MANE Select); coding-DNA position 3099, T replaced by C.
Protein change: p.Tyr1033=; no amino-acid change (tyrosine 1033 retained).
Molecular consequence: synonymous variant.
Genome position (GRCh38, 1-based): chr20:50,891,615, A>G on the plus strand (T>C on the coding strand, the complement: ADNP is on the minus strand). VCF-style: chr20-50891615-A-G. GRCh37 (hg19) VCF-style: chr20-49508152-A-G.
Other names: c.3099T>C (NM_015339.2); c.3099T>C, p.Tyr1033= (NM_001282532.2, NM_001347511.2, NM_015339.5 and 1 more transcripts).
Identifiers: ClinVar variation 2004826 (VCV002004826.5), dbSNP rs2515573069, ClinGen allele CA511020654.
Genomic context (GRCh38, chr20:50,891,615, plus strand): 5'-ATTCTCAGATGCATTCTTCCACTGTGACTGGTCCTTAGACCAAAACCCTTCAACTTTTCC[A>G]TAGGAACTATTCTTCCATTTCAACTGCTCTCTGTCACCTTGCATGGTAGCCTTTTTTTTG-3'
Protein context (NP_001269460.1, residues 1023-1043): REQLKWKNSS[Tyr1033=]GKVEGFWSKD